The following is an entry in ClinVar:

ClinVar aggregate classification (germline): Uncertain significance. Review status: criteria provided, multiple submitters, no conflicts (2 of 4 stars). 3 submissions from 3 submitters: Uncertain significance (3). Last evaluated 2025-07-14.

Conditions:
Hereditary breast ovarian cancer syndrome. Also called: Hereditary breast and ovarian cancer; Hereditary breast and/or ovarian cancer syndrome; BRCA1- and BRCA2-Associated Hereditary Breast and Ovarian Cancer; Hereditary breast and ovarian cancer syndrome; Hereditary breast and ovarian cancer syndrome (HBOC); Breast and ovarian cancer. Identifiers: Orphanet 145, MedGen C0677776, MeSH D061325, MONDO:0003582. Disease mechanism: loss of function.
Hereditary cancer-predisposing syndrome. Also called: Tumor predisposition; Hereditary Cancer Syndrome; Hereditary neoplastic syndrome; Neoplastic Syndromes, Hereditary. Identifiers: Orphanet 140162, MedGen C0027672, MeSH D009386, MONDO:0015356.

Submissions (3):

Color Diagnostics, LLC DBA Color Health
Classification: Uncertain significance for Hereditary cancer-predisposing syndrome. Last evaluated: 2025-07-14. Review status: criteria provided, single submitter. Criteria: ACMG Guidelines, 2015. Collection method: clinical testing. Allele origin: germline.
Comment: This missense variant replaces aspartic acid with glutamic acid at codon 2294 of the BRCA2 protein. Computational prediction is inconclusive regarding the impact of this variant on protein structure and function. To our knowledge, functional studies have not been reported for this variant. This variant has not been reported in individuals affected with BRCA2-related disorders in the literature. This variant has not been identified in the general population by the Genome Aggregation Database (gnomAD). The available evidence is insufficient to determine the role of this variant in disease conclusively. Therefore, this variant is classified as a Variant of Uncertain Significance.

Ambry Genetics
Classification: Uncertain significance for Hereditary cancer-predisposing syndrome. Last evaluated: 2025-04-13. Review status: criteria provided, single submitter. Criteria: Ambry Variant Classification Scheme 2023. Collection method: clinical testing. Allele origin: germline.
Comment: The p.D2294E variant (also known as c.6882C>G), located in coding exon 11 of the BRCA2 gene, results from a C to G substitution at nucleotide position 6882. The aspartic acid at codon 2294 is replaced by glutamic acid, an amino acid with highly similar properties. This amino acid position is well conserved in available vertebrate species. In addition, the in silico prediction for this alteration is inconclusive. Since supporting evidence is limited at this time, the clinical significance of this alteration remains unclear.

Labcorp Genetics (formerly Invitae), Labcorp
Classification: Uncertain significance for Hereditary breast ovarian cancer syndrome. Last evaluated: 2023-08-10. Review status: criteria provided, single submitter. Criteria: Invitae Variant Classification Sherloc (09022015). Collection method: clinical testing. Allele origin: germline.
Comment: This sequence change replaces aspartic acid, which is acidic and polar, with glutamic acid, which is acidic and polar, at codon 2294 of the BRCA2 protein (p.Asp2294Glu). This variant is not present in population databases (gnomAD no frequency). This variant has not been reported in the literature in individuals affected with BRCA2-related conditions. ClinVar contains an entry for this variant (Variation ID: 409473). Advanced modeling of protein sequence and biophysical properties (such as structural, functional, and spatial information, amino acid conservation, physicochemical variation, residue mobility, and thermodynamic stability) performed at Invitae indicates that this missense variant is not expected to disrupt BRCA2 protein function. In summary, the available evidence is currently insufficient to determine the role of this variant in disease. Therefore, it has been classified as a Variant of Uncertain Significance.

Literature cited by the submitters: PubMed 29884841 (cited by Ambry Genetics).

NM_000059.4(BRCA2):c.6882C>G (p.Asp2294Glu)

Gene: BRCA2 (BRCA2 DNA repair associated; plus strand). Cytogenetic location: 13q13.1.
Variant type: single nucleotide variant.
Coding change: c.6882C>G on transcript NM_000059.4 (MANE Select); coding-DNA position 6882, C replaced by G.
Protein change: p.Asp2294Glu; replaces aspartic acid 2294 with glutamic acid.
Molecular consequence: missense variant.
Genome position (GRCh38, 1-based): chr13:32,344,598, C>G. VCF-style: chr13-32344598-C-G. GRCh37 (hg19) VCF-style: chr13-32918735-C-G.
Other names: short protein forms D2294E.
Identifiers: ClinVar variation 409473 (VCV000409473.12), dbSNP rs1060502417, ClinGen allele CA16614346.
Genomic context (GRCh38, chr13:32,344,598, plus strand): 5'-TATGAAATATTTCTTTTTAGGAGAACCCTCAATCAAAAGAAACTTATTAAATGAATTTGA[C>G]AGGATAATAGAAAATCAAGAAAAATCCTTAAAGGCTTCAAAAAGCACTCCAGATGGTAAA-3'
Protein context (NP_000050.3, residues 2284-2304): SIKRNLLNEF[Asp2294Glu]RIIENQEKSL